The following is an entry in ClinVar:

ClinVar aggregate classification (germline): Benign/Likely benign. Review status: criteria provided, multiple submitters, no conflicts (2 of 4 stars). 6 submissions from 6 submitters: Benign (5); Likely benign (1). Last evaluated 2026-01-28.

Conditions:
Genitopatellar syndrome (GTPTS). Also called: ABSENT PATELLAE, SCROTAL HYPOPLASIA, RENAL ANOMALIES, FACIAL DYSMORPHISM, AND MENTAL RETARDATION; Genitopatellar syndrome (GPS). Identifiers: Orphanet 85201, MedGen C1853566, MONDO:0011640, OMIM 606170.

Allele frequency attached by ClinVar (database versions not stated): gnomAD exomes 0.00074 and 0.00159; ExAC 0.00201; 1000 Genomes Project 0.00579; 1000 Genomes Project 30x 0.00625; gnomAD 0.00629 and 0.00678; TOPMed 0.00703; ESP Exome Variant Server 0.00823.
gnomAD v4.1: 2,074 of 1,614,156 alleles (0.13%); highest among the groups gnomAD compares: African/African-American, 2.2%; 17 homozygotes.

Submissions (8):

Labcorp Genetics (formerly Invitae), Labcorp
Classification: Benign for Genitopatellar syndrome. Last evaluated: 2026-01-28. Review status: criteria provided, single submitter. Criteria: Invitae Variant Classification Sherloc (09022015). Collection method: clinical testing. Allele origin: germline.

Genomic Medicine Center of Excellence, King Faisal Specialist Hospital and Research Centre
Classification: Likely benign. Last evaluated: 2025-08-18. Review status: criteria provided, single submitter. Criteria: ACMG Guidelines, 2015. Collection method: clinical testing. Allele origin: germline.

Laboratory for Molecular Medicine, Mass General Brigham Personalized Medicine
Classification: Benign. Last evaluated: 2018-12-27. Review status: criteria provided, single submitter. Criteria: LMM Criteria. Collection method: clinical testing. Allele origin: germline. Observed: 1 variant allele.
Comment: p.Ala1217Ser in exon 17 of KAT6B: This variant is not expected to have clinical significance because it has been identified in 2.08% (212/10216) of African chromosomes by the Exome Aggregation Consortium (ExAC; dbSNP rs57372986).

GeneDx
Classification: Benign. Last evaluated: 2017-03-03. Review status: criteria provided, single submitter. Criteria: GeneDx Variant Classification (06012015). Collection method: clinical testing. Allele origin: germline. Affected: yes.
Comment: This variant is considered likely benign or benign based on one or more of the following criteria: it is a conservative change, it occurs at a poorly conserved position in the protein, it is predicted to be benign by multiple in silico algorithms, and/or has population frequency not consistent with disease.

Breakthrough Genomics
Classification: Benign. Review status: criteria provided, single submitter. Criteria: ACMG Guidelines, 2015. Collection method: not provided. Allele origin: germline. Inheritance: Autosomal dominant inheritance. Affected: yes.

PreventionGenetics, part of Exact Sciences
Classification: Benign. Review status: criteria provided, single submitter. Criteria: ACMG Guidelines, 2015. Collection method: clinical testing. Allele origin: germline.

Dr. Peter K. Rogan Lab, Western University
No classification provided (evidence only). Condition: Lung cancer. Review status: no classification provided. Collection method: in vitro. Allele origin: not applicable. Functional consequence: retained intron. Not counted in ClinVar's aggregate classification.

Dr. Peter K. Rogan Lab, Western University
No classification provided (evidence only). Condition: Thymoma. Review status: no classification provided. Collection method: in vitro. Allele origin: not applicable. Functional consequence: retained intron. Not counted in ClinVar's aggregate classification.

NM_012330.4(KAT6B):c.3649G>T (p.Ala1217Ser)

Gene: KAT6B (lysine acetyltransferase 6B; plus strand). Cytogenetic location: 10q22.2.
Variant type: single nucleotide variant.
Coding change: c.3649G>T on transcript NM_012330.4 (MANE Select); coding-DNA position 3649, G replaced by T.
Protein change: p.Ala1217Ser; replaces alanine 1217 with serine.
Molecular consequence: missense variant.
Genome position (GRCh38, 1-based): chr10:75,025,234, G>T. VCF-style: chr10-75025234-G-T. GRCh37 (hg19) VCF-style: chr10-76784992-G-T.
Other names: c.3100G>T, p.Ala1034Ser (NM_001256468.2, NM_001370138.1); c.2773G>T, p.Ala925Ser (NM_001256469.2, NM_001370139.1, NM_001370140.1 and 2 more transcripts); c.2611G>T, p.Ala871Ser (NM_001370132.1); c.1960G>T, p.Ala654Ser (NM_001370133.1); c.1564G>T, p.Ala522Ser (NM_001370134.1); c.1306G>T, p.Ala436Ser (NM_001370135.1); c.3649G>T, p.Ala1217Ser (NM_001370136.1, NM_001370137.1); c.2584G>T, p.Ala862Ser (NM_001370143.1, NM_001370144.1); short protein forms A1217S, A436S, A871S, A1034S, A522S, A862S, A654S, A925S.
Identifiers: ClinVar variation 260239 (VCV000260239.22), dbSNP rs57372986, ClinGen allele CA5564861.
Genomic context (GRCh38, chr10:75,025,234, plus strand): 5'-CCTGGGAAGAAAAGACAAACAGAGGAAGAGGAAGGAAAAGACAATCATTGCTTCAAGAAT[G>T]CTGACCCTTGTAGAAGTAAGTAGAGGAATGATAAAAACCTTACCCTTGAGAATGTCTGTA-3'
Protein context (NP_036462.2, residues 1207-1227): EGKDNHCFKN[Ala1217Ser]DPCRNNMNDD